The following is an entry in ClinVar:

NM_021930.6(RINT1):c.1217T>C (p.Leu406Pro)

Gene: RINT1 (RAD50 interactor 1; plus strand). Cytogenetic location: 7q22.3.
Variant type: single nucleotide variant.
Coding change: c.1217T>C on transcript NM_021930.6 (MANE Select); coding-DNA position 1217, T replaced by C.
Protein change: p.Leu406Pro; replaces leucine 406 with proline.
Molecular consequence: missense variant. On other transcripts: non-coding transcript variant (1).
Genome position (GRCh38, 1-based): chr7:105,550,370, T>C. VCF-style: chr7-105550370-T-C. GRCh37 (hg19) VCF-style: chr7-105190817-T-C.
Other names: c.983T>C, p.Leu328Pro (NM_001346599.2); c.194T>C, p.Leu65Pro (NM_001346600.2, NM_001346603.2); c.293T>C, p.Leu98Pro (NM_001346601.2); short protein forms L65P, L328P, L98P, L406P.
Identifiers: ClinVar variation 969234 (VCV000969234.13), dbSNP rs1790876170, ClinGen allele CA368809213.

ClinVar aggregate classification (germline): Uncertain significance. Review status: criteria provided, multiple submitters, no conflicts (2 of 4 stars). 2 submissions from 2 submitters: Uncertain significance (2). Last evaluated 2024-11-02.

Allele frequency attached by ClinVar (database versions not stated): gnomAD exomes below 0.00001.

Submissions (2):

Ambry Genetics
Classification: Uncertain significance. Last evaluated: 2024-11-02. Review status: criteria provided, single submitter. Criteria: Ambry Variant Classification Scheme 2023. Collection method: clinical testing. Allele origin: germline.
Comment: The p.L406P variant (also known as c.1217T>C), located in coding exon 9 of the RINT1 gene, results from a T to C substitution at nucleotide position 1217. The leucine at codon 406 is replaced by proline, an amino acid with similar properties. This amino acid position is conserved. In addition, this alteration is predicted to be deleterious by in silico analysis. Since supporting evidence is limited at this time, the clinical significance of this alteration remains unclear.

Labcorp Genetics (formerly Invitae), Labcorp
Classification: Uncertain significance. Last evaluated: 2019-10-30. Review status: criteria provided, single submitter. Criteria: Invitae Variant Classification Sherloc (09022015). Collection method: clinical testing. Allele origin: germline.
Comment: This variant has not been reported in the literature in individuals with RINT1-related conditions. In summary, the available evidence is currently insufficient to determine the role of this variant in disease. Therefore, it has been classified as a Variant of Uncertain Significance. Algorithms developed to predict the effect of missense changes on protein structure and function are either unavailable or do not agree on the potential impact of this missense change (SIFT: "Deleterious"; PolyPhen-2: "Probably Damaging"; Align-GVGD: "Class C0"). This variant is not present in population databases (ExAC no frequency). This sequence change replaces leucine with proline at codon 406 of the RINT1 protein (p.Leu406Pro). The leucine residue is highly conserved and there is a moderate physicochemical difference between leucine and proline.